The following is an entry in ClinVar:

NM_002617.4(PEX10):c.255T>C (p.His85=)

Gene: PEX10 (peroxisomal biogenesis factor 10; minus strand). Cytogenetic location: 1p36.32.
Variant type: single nucleotide variant.
Coding change: c.255T>C on transcript NM_002617.4 (MANE Select); coding-DNA position 255, T replaced by C.
Protein change: p.His85=; no amino-acid change (histidine 85 retained).
Molecular consequence: synonymous variant. On other transcripts: 5 prime UTR variant (2), non-coding transcript variant (1).
Genome position (GRCh38, 1-based): chr1:2,408,797, A>G on the plus strand (T>C on the coding strand, the complement: PEX10 is on the minus strand). VCF-style: chr1-2408797-A-G. GRCh37 (hg19) VCF-style: chr1-2340236-A-G.
Other names: c.255T>C (NM_153818.1); c.255T>C, p.His85= (NM_001374425.1, NM_153818.2); c.-178T>C (NM_001374426.1, NM_001374427.1).
Identifiers: ClinVar variation 1567255 (VCV001567255.10), dbSNP rs2100429976, ClinGen allele CA415775940.

ClinVar aggregate classification (germline): Likely benign. Review status: criteria provided, single submitter (1 of 4 stars). 2 submissions from 2 submitters: Likely benign (1). 1 of the submissions does not count toward it. Last evaluated 2024-01-16.

Conditions:
PEX10-related disorder. Also called: PEX10-related condition.
Peroxisome biogenesis disorder, complementation group 7 (CG7). Also called: Peroxisome biogenesis disorder, complementation group B. Identifiers: MedGen C1864399.

Allele frequency attached by ClinVar (database versions not stated): gnomAD exomes below 0.00001.
gnomAD v4.1: 5 of 1,614,040 alleles (0.00031%); highest among the groups gnomAD compares: South Asian, 0.0011%; no homozygotes.

Submissions (2):

Labcorp Genetics (formerly Invitae), Labcorp
Classification: Likely benign for Peroxisome biogenesis disorder, complementation group 7. Last evaluated: 2024-01-16. Review status: criteria provided, single submitter. Criteria: Invitae Variant Classification Sherloc (09022015). Collection method: clinical testing. Allele origin: germline.

PreventionGenetics, part of Exact Sciences
Classification: Likely benign for PEX10-related condition. Last evaluated: 2023-07-18. Review status: no assertion criteria provided. Collection method: clinical testing. Allele origin: germline. Not counted in ClinVar's aggregate classification.
Comment: This variant is classified as likely benign based on ACMG/AMP sequence variant interpretation guidelines (Richards et al. 2015 PMID: 25741868, with internal and published modifications).